The following is an entry in ClinVar:

ClinVar aggregate classification (germline): Uncertain significance (1 of 4 stars; one submission).

gnomAD v4.1: 2 of 1,367,316 alleles (0.00015%); highest among the groups gnomAD compares: Non-Finnish European, 0.00019%; no homozygotes.

Submission:

Labcorp Genetics (formerly Invitae), Labcorp
Classification: Uncertain significance. Last evaluated: 2022-08-30. Review status: criteria provided, single submitter. Criteria: Invitae Variant Classification Sherloc (09022015). Collection method: clinical testing. Allele origin: germline.
Comment: This sequence change replaces glycine, which is neutral and non-polar, with serine, which is neutral and polar, at codon 169 of the GATA5 protein (p.Gly169Ser). In summary, the available evidence is currently insufficient to determine the role of this variant in disease. Therefore, it has been classified as a Variant of Uncertain Significance. Algorithms developed to predict the effect of missense changes on protein structure and function (SIFT, PolyPhen-2, Align-GVGD) all suggest that this variant is likely to be tolerated. This variant has not been reported in the literature in individuals affected with GATA5-related conditions. This variant is not present in population databases (gnomAD no frequency).

NM_080473.5(GATA5):c.505G>A (p.Gly169Ser)

Gene: GATA5 (GATA binding protein 5; minus strand). Cytogenetic location: 20q13.33.
Variant type: single nucleotide variant.
Coding change: c.505G>A on transcript NM_080473.5 (MANE Select); coding-DNA position 505, G replaced by A.
Protein change: p.Gly169Ser; replaces glycine 169 with serine.
Molecular consequence: missense variant.
Genome position (GRCh38, 1-based): chr20:62,475,017, C>T on the plus strand (G>A on the coding strand, the complement: GATA5 is on the minus strand). VCF-style: chr20-62475017-C-T. GRCh37 (hg19) VCF-style: chr20-61050073-C-T.
Other names: short protein forms G169S.
Identifiers: ClinVar variation 2194568 (VCV002194568.4), dbSNP rs782427595, ClinGen allele CA9946305.
Genomic context (GRCh38, chr20:62,475,017, plus strand): 5'-GGCCGCTCCTGGGCCCCGAGACTGTGGAGCCCCCGCACTCACCGAAGGTGGGCCTGCGGC[C>T]TGGGAGGCCGTGCAGGACGCTGCCATCGAAGGGCCCGGCAGTCCAGGACTGGGCCACGTC-3'
Protein context (NP_536721.1, residues 159-179): FDGSVLHGLP[Gly169Ser]RRPTFVSDFL